The following is an entry in ClinVar:

NM_001077365.2(POMT1):c.2114C>T (p.Ser705Leu)

Gene: POMT1 (protein O-mannosyltransferase 1; plus strand). Cytogenetic location: 9q34.13.
Variant type: single nucleotide variant.
Coding change: c.2114C>T on transcript NM_001077365.2 (MANE Select); coding-DNA position 2114, C replaced by T.
Protein change: p.Ser705Leu; replaces serine 705 with leucine.
Molecular consequence: missense variant. On other transcripts: non-coding transcript variant (10).
Genome position (GRCh38, 1-based): chr9:131,523,042, C>T. VCF-style: chr9-131523042-C-T. GRCh37 (hg19) VCF-style: chr9-134398429-C-T.
Other names: c.1952C>T, p.Ser651Leu (NM_001077366.2, NM_001353194.2); c.2114C>T, p.Ser705Leu (NM_001136113.2); c.1763C>T, p.Ser588Leu (NM_001136114.2, NM_001353195.2, NM_001374691.1 and 2 more transcripts); c.2180C>T, p.Ser727Leu (NM_001353193.2, NM_007171.4); c.2024C>T, p.Ser675Leu (NM_001353196.2); c.2018C>T, p.Ser673Leu (NM_001353197.2, NM_001353198.2); c.1829C>T, p.Ser610Leu (NM_001353199.2); c.1658C>T, p.Ser553Leu (NM_001353200.2); and 3 more; short protein forms S553L, S705L, S727L, S575L, S651L, S673L, S610L, S588L.
Identifiers: ClinVar variation 935152 (VCV000935152.9), dbSNP rs747343582, ClinGen allele CA5293940.

ClinVar aggregate classification (germline): Uncertain significance. Review status: criteria provided, multiple submitters, no conflicts (2 of 4 stars). 3 submissions from 3 submitters: Uncertain significance (3). Last evaluated 2024-08-06.

Conditions:
Inborn genetic diseases. Identifiers: MedGen C0950123, MeSH D030342.
Autosomal recessive limb-girdle muscular dystrophy type 2K. Also called: MUSCULAR DYSTROPHY-DYSTROGLYCANOPATHY (LIMB-GIRDLE), TYPE C, 1; MUSCULAR DYSTROPHY, LIMB-GIRDLE, TYPE 2K. Identifiers: Orphanet 86812, MedGen C1836373, MONDO:0012248, OMIM 609308.
Walker-Warburg congenital muscular dystrophy. Also called: Muscular dystrophy-dystroglycanopathy, type A; Walker-Warburg syndrome. Identifiers: Orphanet 899, MedGen C0265221, MONDO:0000171.
Muscular dystrophy-dystroglycanopathy (congenital with impaired intellectual development), type B, 1. Also called: Muscular dystrophy-dystroglycanopathy (congenital with intellectual disability), type B1; MUSCULAR DYSTROPHY, CONGENITAL, POMT1-RELATED. Identifiers: MedGen C5436962, MONDO:0013159, OMIM 613155.

Allele frequency attached by ClinVar (database versions not stated): gnomAD 0.00002 and 0.00003; gnomAD exomes 0.00005 and 0.00001; TOPMed 0.00006; ExAC 0.00003.

Submissions (3):

Blueprint Genetics
Classification: Uncertain significance. Last evaluated: 2024-08-06. Review status: criteria provided, single submitter. Criteria: ACMG Guidelines, 2015. Collection method: clinical testing. Allele origin: germline.

Ambry Genetics
Classification: Uncertain significance for Inborn genetic diseases. Last evaluated: 2024-05-12. Review status: criteria provided, single submitter. Criteria: Ambry Variant Classification Scheme 2023. Collection method: clinical testing. Allele origin: germline.

Labcorp Genetics (formerly Invitae), Labcorp
Classification: Uncertain significance for Muscular dystrophy-dystroglycanopathy (congenital with impaired intellectual development), type B, 1; Walker-Warburg congenital muscular dystrophy; Autosomal recessive limb-girdle muscular dystrophy type 2K. Last evaluated: 2022-09-07. Review status: criteria provided, single submitter. Criteria: Invitae Variant Classification Sherloc (09022015). Collection method: clinical testing. Allele origin: germline.
Comment: This sequence change replaces serine, which is neutral and polar, with leucine, which is neutral and non-polar, at codon 727 of the POMT1 protein (p.Ser727Leu). This variant is present in population databases (rs747343582, gnomAD 0.07%). This variant has not been reported in the literature in individuals affected with POMT1-related conditions. ClinVar contains an entry for this variant (Variation ID: 935152). Algorithms developed to predict the effect of missense changes on protein structure and function are either unavailable or do not agree on the potential impact of this missense change (SIFT: "Deleterious"; PolyPhen-2: "Benign"; Align-GVGD: "Class C0"). In summary, the available evidence is currently insufficient to determine the role of this variant in disease. Therefore, it has been classified as a Variant of Uncertain Significance.